The following is an entry in ClinVar:

NM_004527.4(MEOX1):c.305G>A (p.Arg102Gln)

Gene: MEOX1 (mesenchyme homeobox 1; minus strand). Cytogenetic location: 17q21.31.
Variant type: single nucleotide variant.
Coding change: c.305G>A on transcript NM_004527.4 (MANE Select); coding-DNA position 305, G replaced by A.
Protein change: p.Arg102Gln; replaces arginine 102 with glutamine.
Molecular consequence: missense variant. On other transcripts: 5 prime UTR variant (1).
Genome position (GRCh38, 1-based): chr17:43,661,230, C>T on the plus strand (G>A on the coding strand, the complement: MEOX1 is on the minus strand). VCF-style: chr17-43661230-C-T. GRCh37 (hg19) VCF-style: chr17-41738598-C-T.
Other names: c.-41G>A (NM_001040002.2); c.305G>A, p.Arg102Gln (NM_013999.4); short protein forms R102Q.
Identifiers: ClinVar variation 1369199 (VCV001369199.6), dbSNP rs764871699, ClinGen allele CA8592660.
Genomic context (GRCh38, chr17:43,661,230, plus strand): 5'-CCCAGGCTGCTGGTCCCCATTTCCTTGGAACCCCCTGCCGGGCCTGAGTTGGGCCTGCGC[C>T]GGGCGTCTGAGACAGGGAAGTGCCAGTTGGGGGACTGTGGGAAAGCGGGGTGCTGCTCAG-3'
Protein context (NP_004518.1, residues 92-112): PNWHFPVSDA[Arg102Gln]RRPNSGPAGG

ClinVar aggregate classification (germline): Uncertain significance (1 of 4 stars; one submission).

Allele frequency attached by ClinVar (database versions not stated): gnomAD 0.00002; TOPMed 0.00003; ExAC 0.00004; gnomAD exomes 0.00004.
gnomAD v4.1: 60 of 1,609,260 alleles (0.0037%); highest among the groups gnomAD compares: Non-Finnish European, 0.0048%; no homozygotes.

Submission:

Labcorp Genetics (formerly Invitae), Labcorp
Classification: Uncertain significance. Last evaluated: 2021-09-30. Review status: criteria provided, single submitter. Criteria: Invitae Variant Classification Sherloc (09022015). Collection method: clinical testing. Allele origin: germline.
Comment: This variant is present in population databases (rs764871699, ExAC 0.008%). In summary, the available evidence is currently insufficient to determine the role of this variant in disease. Therefore, it has been classified as a Variant of Uncertain Significance. Algorithms developed to predict the effect of missense changes on protein structure and function are either unavailable or do not agree on the potential impact of this missense change (SIFT: "Tolerated"; PolyPhen-2: "Possibly Damaging"; Align-GVGD: "Class C0"). This variant has not been reported in the literature in individuals affected with MEOX1-related conditions. This sequence change replaces arginine with glutamine at codon 102 of the MEOX1 protein (p.Arg102Gln). The arginine residue is highly conserved and there is a small physicochemical difference between arginine and glutamine.